The following is an entry in ClinVar:

NM_182746.3(MCM4):c.706A>G (p.Thr236Ala)

Gene: MCM4 (minichromosome maintenance complex component 4; plus strand). Cytogenetic location: 8q11.21.
Variant type: single nucleotide variant.
Coding change: c.706A>G on transcript NM_182746.3 (MANE Select); coding-DNA position 706, A replaced by G.
Protein change: p.Thr236Ala; replaces threonine 236 with alanine.
Molecular consequence: missense variant.
Genome position (GRCh38, 1-based): chr8:47,964,586, A>G. VCF-style: chr8-47964586-A-G. GRCh37 (hg19) VCF-style: chr8-48877146-A-G.
Other names: c.706A>G, p.Thr236Ala (NM_005914.4); short protein forms T236A.
Identifiers: ClinVar variation 1515326 (VCV001515326.6), dbSNP rs556363141, ClinGen allele CA176155723.

ClinVar aggregate classification (germline): Uncertain significance (1 of 4 stars; one submission).

Allele frequency attached by ClinVar (database versions not stated): gnomAD exomes below 0.00001; gnomAD 0.00001; TOPMed 0.00003; 1000 Genomes Project 0.00020; 1000 Genomes Project 30x 0.00031.
gnomAD v4.1: 4 of 1,592,328 alleles (0.00025%); highest among the groups gnomAD compares: Admixed American, 0.0019%; no homozygotes.

Submission:

Labcorp Genetics (formerly Invitae), Labcorp
Classification: Uncertain significance. Last evaluated: 2024-12-07. Review status: criteria provided, single submitter. Criteria: Invitae Variant Classification Sherloc (09022015). Collection method: clinical testing. Allele origin: germline.
Comment: This sequence change replaces threonine, which is neutral and polar, with alanine, which is neutral and non-polar, at codon 236 of the MCM4 protein (p.Thr236Ala). This variant is not present in population databases (gnomAD no frequency). This variant has not been reported in the literature in individuals affected with MCM4-related conditions. ClinVar contains an entry for this variant (Variation ID: 1515326). Invitae Evidence Modeling of protein sequence and biophysical properties (such as structural, functional, and spatial information, amino acid conservation, physicochemical variation, residue mobility, and thermodynamic stability) indicates that this missense variant is not expected to disrupt MCM4 protein function with a negative predictive value of 80%. In summary, the available evidence is currently insufficient to determine the role of this variant in disease. Therefore, it has been classified as a Variant of Uncertain Significance.